The following is an entry in ClinVar:

ClinVar aggregate classification (germline): Pathogenic. Review status: criteria provided, multiple submitters, no conflicts (2 of 4 stars). 18 submissions from 17 submitters: Pathogenic (16). 2 of the submissions do not count toward it. Last evaluated 2026-09-15.

Conditions:
Osteoporosis. Identifiers: MedGen C0029456, MONDO:0005298, OMIM 166710, HP:0000939.
Osteogenesis imperfecta, perinatal lethal (OI2). Also called: Osteogenesis imperfecta type 2; VROLIK TYPE OF OSTEOGENESIS IMPERFECTA; Osteogenesis imperfecta, dominant perinatal lethal; OSTEOGENESIS IMPERFECTA, TYPE II; OI, TYPE II; OSTEOGENESIS IMPERFECTA CONGENITA. Identifiers: Orphanet 216804, MedGen C0268358, MONDO:0008147, OMIM 166210.
Combined osteogenesis imperfecta and Ehlers-Danlos syndrome 2. Also called: OIEDS SYNDROME 2. Identifiers: MedGen C5436847, MONDO:0030855, OMIM 619120.
Ehlers-Danlos syndrome, cardiac valvular type. Identifiers: Orphanet 230851, MedGen C4303789, MONDO:0009159, OMIM 225320.
Osteogenesis imperfecta with normal sclerae, dominant form (OI4). Also called: OSTEOGENESIS IMPERFECTA, TYPE IV, WITH DENTINOGENESIS IMPERFECTA; Osteogenesis imperfecta type 4; Common Variable Osteogenesis Imperfecta with Normal Sclerae; OSTEOGENESIS IMPERFECTA WITH NORMAL SCLERAE; Osteogenesis Imperfecta Type IV. Identifiers: Orphanet 216820, Orphanet 666, MedGen C0268363, MONDO:0008148, OMIM 166220.
Ehlers-Danlos syndrome, arthrochalasia type, 2. Also called: EHLERS-DANLOS SYNDROME, TYPE VIIB, AUTOSOMAL DOMINANT. Identifiers: MedGen CN293783, MONDO:0040501, OMIM 617821.
Osteogenesis imperfecta type III (OI3). Also called: Progressively Deforming Osteogenesis Imperfecta; Osteogenesis imperfecta type 3; OI type 3; Osteogenesis imperfecta, progressively deforming with normal sclerae; OI type III. Identifiers: Orphanet 216812, Orphanet 666, MedGen C0268362, MONDO:0009804, OMIM 259420.
COL1A2-related disorder. Also called: COL1A2-related condition; COL1A2-Related Disorders.
Osteogenesis imperfecta type I (OI1). Also called: Lobstein's Disease; Osteogenesis imperfecta type 1; Classic Non-deforming Osteogenesis Imperfecta with Blue Sclerae; OI, TYPE I; OSTEOGENESIS IMPERFECTA TARDA; OSTEOGENESIS IMPERFECTA WITH BLUE SCLERAE. Identifiers: Orphanet 216796, Orphanet 666, MedGen C0023931, MONDO:0008146, OMIM 166200. Disease mechanism: loss of function.
Ehlers-Danlos syndrome, classic type, 1 (EDSCL1). Also called: Ehlers-Danlos syndrome, type 1; EDS I; Ehlers-Danlos Syndrome, Classic Type, COL5A1-Related; EHLERS-DANLOS SYNDROME, GRAVIS TYPE; EHLERS-DANLOS SYNDROME, SEVERE CLASSIC TYPE. Identifiers: MedGen C0268335, MONDO:0019567, OMIM 130000.
Cardiovascular phenotype. Identifiers: MedGen CN230736.
Osteogenesis imperfecta (OI). Identifiers: Orphanet 666, MedGen C0029434, MeSH D010013, MONDO:0019019.
Increased susceptibility to fractures. Also called: Bone fragility. Identifiers: MedGen C1390474, HP:0002659.

Allele frequency attached by ClinVar (database versions not stated): gnomAD exomes below 0.00001 and 0.00001; ExAC 0.00001; gnomAD 0.00001.
gnomAD v4.1: 6 of 1,614,028 alleles (0.00037%); highest among the groups gnomAD compares: Admixed American, 0.0033%; no homozygotes.

Submissions 1 to 8 of 18:

PreventionGenetics, part of Exact Sciences
Classification: Pathogenic for COL1A2-related condition. Last evaluated: 2026-09-15. Review status: criteria provided, single submitter. Criteria: ACMG Guidelines, 2015. Collection method: clinical testing. Allele origin: germline.
Comment: The COL1A2 c.838G>A variant is predicted to result in the amino acid substitution p.Gly280Ser. This variant has been reported to be pathogenic for osteogenesis imperfecta (Table S4, Mei et al. 2022. PubMed ID: 35909573; Type IV or Type I, Marini et al. 2007.PubMed ID: 17078022). Different variants affecting the same amino acid (p.Gly280Cys and p.Gly280Val) were reported to be pathogenic (Ho Duy et al. 2016. PubMed ID: 27519266; reported as p.Gly190Val, Obafemi. et al. 2008. PubMed ID: 18798308). The p.Gly280 residue is located within the conserved Gly-Xaa-Yaa triple helical domain where substitutions of a glycine are usually pathogenic (Marini et al. 2007. PubMed ID: 17078022). This variant is reported in 0.0065% of alleles in individuals of South Asian descent in gnomAD and has been consistently classified as pathogenic in ClinVar. This variant is interpreted as pathogenic.

OLLIN Analises Genomicas, OLLIN
Classification: Pathogenic for Ehlers-Danlos syndrome, arthrochalasia type, 2. Last evaluated: 2026-08-06. Review status: criteria provided, single submitter. Criteria: ACMG Guidelines 2015 PMID 25741868. Collection method: clinical testing. Allele origin: germline. Inheritance: Autosomal dominant inheritance.
Comment: This missense variant, located in exon 17 (of 52), has been reported in ClinVar (accession VCV000035957.33), in gnomAD with an allele frequency of 0.00037%, and in the scientific literature in individuals with COL1A2 related disorders (PMID: 38536562, 37758163, 9016532, 17078022). In silico analysis predicts that this variant has a deleterious effect. This variant is located in a region considered to be a mutational hotspot (PMID: 38536562, 9016532, 17078022). Another pathogenic variant affecting the same amino acid residue has been reported. This gene is constrained for missense variation. According to the currently available evidence, this variant has been classified as pathogenic (PS4, PM1, PM5, PP2, PP3_S).

Labcorp Genetics (formerly Invitae), Labcorp
Classification: Pathogenic for Osteogenesis imperfecta type I; Ehlers-Danlos syndrome, classic type, 1. Last evaluated: 2025-09-21. Review status: criteria provided, single submitter. Criteria: Invitae Variant Classification Sherloc (09022015). Collection method: clinical testing. Allele origin: germline.
Comment: This sequence change replaces glycine, which is neutral and non-polar, with serine, which is neutral and polar, at codon 280 of the COL1A2 protein (p.Gly280Ser). This variant is present in population databases (rs72656387, gnomAD 0.006%). This missense change has been observed in individuals with autosomal dominant osteogenesis imperfecta (PMID: 17078022, 21667357, 26177859, 28378289). ClinVar contains an entry for this variant (Variation ID: 35957). Invitae Evidence Modeling of protein sequence and biophysical properties (such as structural, functional, and spatial information, amino acid conservation, physicochemical variation, residue mobility, and thermodynamic stability) indicates that this missense variant is expected to disrupt COL1A2 protein function with a positive predictive value of 95%. This variant disrupts the triple helix domain of COL1A2. Glycine residues within the Gly-Xaa-Yaa repeats of the triple helix domain are required for the structure and stability of fibrillar collagens (PMID: 7695699, 8218237, 19344236). In COL1A2, variants affecting these glycine residues are significantly enriched in individuals with disease (PMID: 9016532, 17078022) compared to the general population (ExAC). For these reasons, this variant has been classified as Pathogenic.

Ambry Genetics
Classification: Pathogenic for Cardiovascular phenotype. Last evaluated: 2025-04-21. Review status: criteria provided, single submitter. Criteria: Ambry Variant Classification Scheme 2023. Collection method: clinical testing. Allele origin: germline.
Comment: The c.838G>A (p.G280S) alteration is located in exon 17 (coding exon 17) of the COL1A2 gene. This alteration results from a G to A substitution at nucleotide position 838, causing the glycine (G) at amino acid position 280 to be replaced by a serine (S). for autosomal dominant COL1A2-related osteogenesis imperfecta/overlap disorder; however, its clinical significance for autosomal dominant COL1A2-related arthrochalasia type Ehlers-Danlos syndrome and autosomal recessive COL1A2-related cardiac valvular type Ehlers-Danlos syndrome is uncertain. Based on data from gnomAD, the A allele has an overall frequency of 0.001% (2/251480) total alleles studied. The highest observed frequency was 0.007% (2/30616) of South Asian alleles. This variant was reported in individual(s) with features consistent with COL1A2-related osteogenesis imperfecta/overlap disorder (Mehta, 2024; Lin, 2024; Fratzl-Zelman, 2023). This amino acid position is highly conserved in available vertebrate species. The majority of pathogenic mutations identified to date in COL1A2 have involved the substitution of another amino acid for glycine within the triple-helical domain (Dalgleish, 1997; Marini, 2007; Bardai, 2016). Internal structural analysis indicates that this alteration disrupts the characteristic G-X-Y motif in theCOL1A2protein and inserts a bulky side chain into asterically-constrainedregion (Bella, 1994; Hohenester, 2008; Ambry internal data). This alteration is predicted to be deleterious by in silico analysis. Based on the available evidence, this alteration is classified as pathogenic.

MVZ Martinsried, Medicover Genetics
Classification: Pathogenic for Osteogenesis imperfecta type I. Last evaluated: 2024-05-23. Review status: criteria provided, single submitter. Criteria: ACGS Guidelines, 2020. Collection method: clinical testing. Allele origin: unknown. Affected: yes. Observed: 1 heterozygote.

Foundation for Research in Genetics and Endocrinology, FRIGE's Institute of Human Genetics
Classification: Pathogenic for Osteogenesis imperfecta, perinatal lethal. Last evaluated: 2024-04-20. Review status: criteria provided, single submitter. Criteria: ACMG Guidelines, 2015. Collection method: clinical testing. Allele origin: germline. Inheritance: Autosomal dominant inheritance. Affected: yes. Observed: 1 heterozygote.
Comment: The identified heterozygous missense substitution (p.Gly280Ser) lies in exon 17 of the COL1A2 gene and alters a highly conserved residue in the protein. The identified variant has been previously reported in patients affected with OI and increased susceptibility to fractures. The variant is predicted to be damaging by 5 (FATHMM, LRT, Mutation Assessor, Mutation Taster and SIFT) out of 5 in silico missense prediction tools. In summary, the variant meets our criteria to be classified as pathogenic.

Fulgent Genetics
Classification: Pathogenic for Osteogenesis imperfecta, perinatal lethal; Osteogenesis imperfecta with normal sclerae, dominant form; Osteoporosis; Ehlers-Danlos syndrome, cardiac valvular type; Osteogenesis imperfecta type III; Ehlers-Danlos syndrome, arthrochalasia type, 2; Combined osteogenesis imperfecta and Ehlers-Danlos syndrome 2. Last evaluated: 2024-04-06. Review status: criteria provided, single submitter. Criteria: ACMG Guidelines, 2015. Collection method: clinical testing. Allele origin: germline.

Genomic Medicine Center of Excellence, King Faisal Specialist Hospital and Research Centre
Classification: Pathogenic for Ehlers-Danlos syndrome, arthrochalasia type, 2. Last evaluated: 2024-03-29. Review status: criteria provided, single submitter. Criteria: ACMG Guidelines, 2015. Collection method: clinical testing. Allele origin: germline.

NM_000089.4(COL1A2):c.838G>A (p.Gly280Ser)

Gene: COL1A2 (collagen type I alpha 2 chain; plus strand). Cytogenetic location: 7q21.3.
Variant type: single nucleotide variant.
Coding change: c.838G>A on transcript NM_000089.4 (MANE Select); coding-DNA position 838, G replaced by A.
Protein change: p.Gly280Ser; replaces glycine 280 with serine.
Molecular consequence: missense variant.
Genome position (GRCh38, 1-based): chr7:94,409,367, G>A. VCF-style: chr7-94409367-G-A. GRCh37 (hg19) VCF-style: chr7-94038679-G-A.
Other names: short protein forms G280S.
Identifiers: ClinVar variation 35957 (VCV000035957.35), dbSNP rs72656387, ClinGen allele CA260386.